The following is an entry in ClinVar:

ClinVar aggregate classification (germline): Uncertain significance (1 of 4 stars; one submission).

gnomAD v4.1: 5 of 1,614,150 alleles (0.00031%); highest among the groups gnomAD compares: South Asian, 0.0011%; no homozygotes.

Submission:

Labcorp Genetics (formerly Invitae), Labcorp
Classification: Uncertain significance. Last evaluated: 2024-07-07. Review status: criteria provided, single submitter. Criteria: Invitae Variant Classification Sherloc (09022015). Collection method: clinical testing. Allele origin: germline.
Comment: This sequence change replaces methionine, which is neutral and non-polar, with valine, which is neutral and non-polar, at codon 222 of the CASZ1 protein (p.Met222Val). This variant is present in population databases (no rsID available, gnomAD 0.003%). This variant has not been reported in the literature in individuals affected with CASZ1-related conditions. Algorithms developed to predict the effect of missense changes on protein structure and function output the following: SIFT: "Not Available"; PolyPhen-2: "Benign"; Align-GVGD: "Not Available". The valine amino acid residue is found in multiple mammalian species, which suggests that this missense change does not adversely affect protein function. In summary, the available evidence is currently insufficient to determine the role of this variant in disease. Therefore, it has been classified as a Variant of Uncertain Significance.

NM_001079843.3(CASZ1):c.664A>G (p.Met222Val)

Gene: CASZ1 (castor zinc finger 1; minus strand). Cytogenetic location: 1p36.22.
Variant type: single nucleotide variant.
Coding change: c.664A>G on transcript NM_001079843.3 (MANE Select); coding-DNA position 664, A replaced by G.
Protein change: p.Met222Val; replaces methionine 222 with valine.
Molecular consequence: missense variant.
Genome position (GRCh38, 1-based): chr1:10,660,378, T>C on the plus strand (A>G on the coding strand, the complement: CASZ1 is on the minus strand). VCF-style: chr1-10660378-T-C. GRCh37 (hg19) VCF-style: chr1-10720435-T-C.
Other names: c.664A>G, p.Met222Val (NM_017766.5); short protein forms M222V.
Identifiers: ClinVar variation 3609810 (VCV003609810.2).
Genomic context (GRCh38, chr1:10,660,378, plus strand): 5'-ACTCCTCATACTTAGAGAACCGCGCCCGCTTGCTGAGGGTATCCTCGGAGGTGGGCAGCA[T>C]GGAGGAGGTGGCTGCCTCCGGGGTGGAGCCCGCGTGCAGCTTCTCAAAGCTGATCTTCCT-3'
Protein context (NP_001073312.1, residues 212-232): GSTPEAATSS[Met222Val]LPTSEDTLSK